The following is an entry in ClinVar:

ClinVar aggregate classification (germline): Uncertain significance (1 of 4 stars; one submission).

gnomAD v4.1: 4 of 1,595,284 alleles (0.00025%); highest among the groups gnomAD compares: Middle Eastern, 0.033%; no homozygotes.

Submission:

Labcorp Genetics (formerly Invitae), Labcorp
Classification: Uncertain significance. Last evaluated: 2023-12-06. Review status: criteria provided, single submitter. Criteria: Invitae Variant Classification Sherloc (09022015). Collection method: clinical testing. Allele origin: germline.
Comment: This sequence change replaces aspartic acid, which is acidic and polar, with tyrosine, which is neutral and polar, at codon 339 of the ACAN protein (p.Asp339Tyr). This variant is present in population databases (no rsID available, gnomAD 0.003%). This variant has not been reported in the literature in individuals affected with ACAN-related conditions. ClinVar contains an entry for this variant (Variation ID: 1367967). Advanced modeling of protein sequence and biophysical properties (such as structural, functional, and spatial information, amino acid conservation, physicochemical variation, residue mobility, and thermodynamic stability) performed at Invitae indicates that this missense variant is not expected to disrupt ACAN protein function with a negative predictive value of 80%. In summary, the available evidence is currently insufficient to determine the role of this variant in disease. Therefore, it has been classified as a Variant of Uncertain Significance.

NM_001369268.1(ACAN):c.1015G>T (p.Asp339Tyr)

Gene: ACAN (aggrecan; plus strand). Cytogenetic location: 15q26.1.
Variant type: single nucleotide variant.
Coding change: c.1015G>T on transcript NM_001369268.1 (MANE Select); coding-DNA position 1015, G replaced by T.
Protein change: p.Asp339Tyr; replaces aspartic acid 339 with tyrosine.
Molecular consequence: missense variant.
Genome position (GRCh38, 1-based): chr15:88,843,612, G>T. VCF-style: chr15-88843612-G-T. GRCh37 (hg19) VCF-style: chr15-89386843-G-T.
Other names: c.1015G>T, p.Asp339Tyr (NM_001135.4, NM_013227.4); short protein forms D339Y.
Identifiers: ClinVar variation 1367967 (VCV001367967.6), dbSNP rs746352037, ClinGen allele CA393708077.